The following is an entry in ClinVar:

NM_014846.4(WASHC5):c.1169A>G (p.Lys390Arg)

Gene: WASHC5 (WASH complex subunit 5; minus strand). Cytogenetic location: 8q24.13.
Variant type: single nucleotide variant.
Coding change: c.1169A>G on transcript NM_014846.4 (MANE Select); coding-DNA position 1169, A replaced by G.
Protein change: p.Lys390Arg; replaces lysine 390 with arginine.
Molecular consequence: missense variant.
Genome position (GRCh38, 1-based): chr8:125,067,701, T>C on the plus strand (A>G on the coding strand, the complement: WASHC5 is on the minus strand). VCF-style: chr8-125067701-T-C. GRCh37 (hg19) VCF-style: chr8-126079943-T-C.
Other names: c.725A>G, p.Lys242Arg (NM_001330609.2); short protein forms K390R, K242R.
Identifiers: ClinVar variation 4788674 (VCV004788674.1).
Genomic context (GRCh38, chr8:125,067,701, plus strand): 5'-AGGATCCTGGGATTGTACCGAGAGTCTGTTAGAATCTGGTCCTTGATTTGACGAAGGCGT[T>C]TGTTGTTTGGGTCACAGGCTAGAAACAGGAAAAGTGTTACCTGCTTACTAAATGTGTAGA-3'
Protein context (NP_055661.3, residues 380-400): TADSACDPNN[Lys390Arg]RLRQIKDQIL

ClinVar aggregate classification (germline): Uncertain significance (1 of 4 stars; one submission).

Conditions:
Ritscher-Schinzel syndrome. Also called: CRANIOCEREBELLOCARDIAC DYSPLASIA. Identifiers: Orphanet 7, MedGen C0796137, MONDO:0019078.
Hereditary spastic paraplegia 8 (SPG8). Also called: SPASTIC PARAPLEGIA 8, AUTOSOMAL DOMINANT. Identifiers: Orphanet 100989, MedGen C1863704, MONDO:0011339, OMIM 603563.

Submission:

Labcorp Genetics (formerly Invitae), Labcorp
Classification: Uncertain significance for Ritscher-Schinzel syndrome; Hereditary spastic paraplegia 8. Last evaluated: 2025-11-27. Review status: criteria provided, single submitter. Criteria: Invitae Variant Classification Sherloc (09022015). Collection method: clinical testing. Allele origin: germline.
Comment: This sequence change replaces lysine, which is basic and polar, with arginine, which is basic and polar, at codon 390 of the WASHC5 protein (p.Lys390Arg). This variant is not present in population databases (gnomAD no frequency). This variant has not been reported in the literature in individuals affected with WASHC5-related conditions. Invitae Evidence Modeling of protein sequence and biophysical properties (such as structural, functional, and spatial information, amino acid conservation, physicochemical variation, residue mobility, and thermodynamic stability) indicates that this missense variant is not expected to disrupt WASHC5 protein function with a negative predictive value of 80%. In summary, the available evidence is currently insufficient to determine the role of this variant in disease. Therefore, it has been classified as a Variant of Uncertain Significance.